The following is an entry in ClinVar:

ClinVar aggregate classification (germline): Uncertain significance. Review status: criteria provided, multiple submitters, no conflicts (2 of 4 stars). 2 submissions from 2 submitters: Uncertain significance (2). Last evaluated 2025-06-10.

Conditions:
Cardiovascular phenotype. Identifiers: MedGen CN230736.
ANKRD1-related dilated cardiomyopathy. Identifiers: MedGen CN119551.

Allele frequency attached by ClinVar (database versions not stated): gnomAD exomes below 0.00001; ExAC 0.00001.
gnomAD v4.1: 1 of 1,614,042 alleles (0.000062%); highest among the groups gnomAD compares: South Asian, 0.0011%; no homozygotes.

Submissions (2):

Ambry Genetics
Classification: Uncertain significance for Cardiovascular phenotype. Last evaluated: 2025-06-10. Review status: criteria provided, single submitter. Criteria: Ambry Variant Classification Scheme 2023. Collection method: clinical testing. Allele origin: germline.
Comment: The p.L271M variant (also known as c.811C>A), located in coding exon 8 of the ANKRD1 gene, results from a C to A substitution at nucleotide position 811. The leucine at codon 271 is replaced by methionine, an amino acid with highly similar properties. This amino acid position is conserved. In addition, this alteration is predicted to be deleterious by in silico analysis. Based on the available evidence, the clinical significance of this variant remains unclear.

Labcorp Genetics (formerly Invitae), Labcorp
Classification: Uncertain significance for ANKRD1-related dilated cardiomyopathy. Last evaluated: 2022-05-25. Review status: criteria provided, single submitter. Criteria: Invitae Variant Classification Sherloc (09022015). Collection method: clinical testing. Allele origin: germline.
Comment: In summary, the available evidence is currently insufficient to determine the role of this variant in disease. Therefore, it has been classified as a Variant of Uncertain Significance. Algorithms developed to predict the effect of missense changes on protein structure and function are either unavailable or do not agree on the potential impact of this missense change (SIFT: "Deleterious"; PolyPhen-2: "Probably Damaging"; Align-GVGD: "Class C0"). This variant has not been reported in the literature in individuals affected with ANKRD1-related conditions. This variant is present in population databases (rs762768021, gnomAD 0.003%). This sequence change replaces leucine, which is neutral and non-polar, with methionine, which is neutral and non-polar, at codon 271 of the ANKRD1 protein (p.Leu271Met).

NM_014391.3(ANKRD1):c.811C>A (p.Leu271Met)

Gene: ANKRD1 (ankyrin repeat domain 1; minus strand). Cytogenetic location: 10q23.31.
Variant type: single nucleotide variant.
Coding change: c.811C>A on transcript NM_014391.3 (MANE Select); coding-DNA position 811, C replaced by A.
Protein change: p.Leu271Met; replaces leucine 271 with methionine.
Molecular consequence: missense variant.
Genome position (GRCh38, 1-based): chr10:90,915,581, G>T on the plus strand (C>A on the coding strand, the complement: ANKRD1 is on the minus strand). VCF-style: chr10-90915581-G-T. GRCh37 (hg19) VCF-style: chr10-92675338-G-T.
Other names: short protein forms L271M.
Identifiers: ClinVar variation 1998550 (VCV001998550.5), dbSNP rs762768021, ClinGen allele CA5598602.